The following is an entry in ClinVar:

ClinVar aggregate classification (germline): Likely pathogenic (1 of 4 stars; one submission).

Submission:

Labcorp Genetics (formerly Invitae), Labcorp
Classification: Likely pathogenic. Last evaluated: 2025-06-08. Review status: criteria provided, single submitter. Criteria: Invitae Variant Classification Sherloc (09022015). Collection method: clinical testing. Allele origin: germline.
Comment: This sequence change affects an acceptor splice site in intron 86 of the COL7A1 gene. It is expected to disrupt splicing. Variants that disrupt the donor or acceptor splice site typically lead to a loss of protein function (PMID: 16199547), and loss-of-function variants in COL7A1 are known to be disease-causing for autosomal recessive dystrophic epidermolysis bullosa (PMID: 16971478). However, certain variants affecting donor or acceptor splice sites in the triple helical domain of COL7A1 are expected to result in in-frame exon skipping and have been reported to cause autosomal dominant dystrophic epidermolysis bullosa (PMID: 31670143). This variant is not present in population databases (gnomAD no frequency). This variant has not been observed in the literature in individuals with autosomal recessive COL7A1-related conditions. This variant has been reported in individual(s) with autosomal dominant dystrophic epidermolysis bullosa (PMID: 25913354, 30288768); however, the role of the variant in this condition is currently unclear. Algorithms developed to predict the effect of sequence changes on RNA splicing suggest that this variant may disrupt the consensus splice site. In summary, the currently available evidence indicates that the variant is pathogenic, but additional data are needed to prove that conclusively. Therefore, this variant has been classified as Likely Pathogenic.

Literature cited by the submitters: PubMed 16199547; PubMed 16971478; PubMed 31670143; PubMed 25913354; PubMed 30288768.

NM_000094.4(COL7A1):c.6832-2A>G

Gene: COL7A1 (collagen type VII alpha 1 chain; minus strand). Cytogenetic location: 3p21.31.
Variant type: single nucleotide variant.
Coding change: c.6832-2A>G on transcript NM_000094.4 (MANE Select); the canonical splice acceptor site of the intron before coding-DNA position 6832, A replaced by G.
Molecular consequence: splice acceptor variant.
Genome position (GRCh38, 1-based): chr3:48,572,741, T>C on the plus strand (A>G on the coding strand, the complement: COL7A1 is on the minus strand). VCF-style: chr3-48572741-T-C. GRCh37 (hg19) VCF-style: chr3-48610174-T-C.
Identifiers: ClinVar variation 4747288 (VCV004747288.1).